The following is an entry in ClinVar:

ClinVar aggregate classification (germline): Conflicting classifications of pathogenicity. Review status: criteria provided, conflicting classifications (1 of 4 stars). 4 submissions from 4 submitters: Uncertain significance (2); Likely benign (1). 1 of the submissions does not count toward it. Last evaluated 2025-08-24.

Conditions:
Inborn genetic diseases. Identifiers: MedGen C0950123, MeSH D030342.
VPS13B-related disorder. Also called: VPS13B-related condition.
Cohen syndrome (COH1). Also called: PEPPER SYNDROME; Cutis verticis gyrata, retinitis pigmentosa, and sensorineural deafness. Identifiers: Orphanet 193, MedGen C0265223, MONDO:0008999, OMIM 216550.

Allele frequency attached by ClinVar (database versions not stated): gnomAD 0.00001; gnomAD exomes 0.00003; TOPMed 0.00003; ExAC 0.00012.

Submissions (4):

Ambry Genetics
Classification: Likely benign for Inborn genetic diseases. Last evaluated: 2025-08-24. Review status: criteria provided, single submitter. Criteria: Ambry Variant Classification Scheme 2023. Collection method: clinical testing. Allele origin: germline.

Athena Diagnostics
Classification: Uncertain significance. Last evaluated: 2025-01-07. Review status: criteria provided, single submitter. Criteria: Athena Diagnostics Criteria. Collection method: clinical testing. Allele origin: unknown.
Comment: Available data are insufficient to determine the clinical significance of the variant at this time. The frequency of this variant in the general population is uninformative in assessment of its pathogenicity. Polyphen and MutationTaster predict this amino acid change may be benign.

Labcorp Genetics (formerly Invitae), Labcorp
Classification: Uncertain significance for Cohen syndrome. Last evaluated: 2022-08-16. Review status: criteria provided, single submitter. Criteria: Invitae Variant Classification Sherloc (09022015). Collection method: clinical testing. Allele origin: germline.
Comment: This sequence change replaces methionine, which is neutral and non-polar, with valine, which is neutral and non-polar, at codon 1039 of the VPS13B protein (p.Met1039Val). This variant is present in population databases (rs758412930, gnomAD 0.1%). This variant has not been reported in the literature in individuals affected with VPS13B-related conditions. Algorithms developed to predict the effect of missense changes on protein structure and function output the following: SIFT: "Not Available"; PolyPhen-2: "Benign"; Align-GVGD: "Not Available". The valine amino acid residue is found in multiple mammalian species, which suggests that this missense change does not adversely affect protein function. In summary, the available evidence is currently insufficient to determine the role of this variant in disease. Therefore, it has been classified as a Variant of Uncertain Significance.

PreventionGenetics, part of Exact Sciences
Classification: Uncertain significance for VPS13B-related condition. Last evaluated: 2024-09-16. Review status: no assertion criteria provided. Collection method: clinical testing. Allele origin: germline. Not counted in ClinVar's aggregate classification.
Comment: The VPS13B c.3115A>G variant is predicted to result in the amino acid substitution p.Met1039Val. To our knowledge, this variant has not been reported in the literature. This variant is reported in 0.098% of alleles in individuals of Latino descent in gnomAD. Although we suspect that this variant may be benign, at this time, the clinical significance of this variant is uncertain due to the absence of conclusive functional and genetic evidence.

NM_152564.5(VPS13B):c.3115A>G (p.Met1039Val)

Gene: VPS13B (vacuolar protein sorting 13 homolog B; plus strand). Cytogenetic location: 8q22.2.
Variant type: single nucleotide variant.
Coding change: c.3115A>G on transcript NM_152564.5 (MANE Select); coding-DNA position 3115, A replaced by G.
Protein change: p.Met1039Val; replaces methionine 1039 with valine.
Molecular consequence: missense variant.
Genome position (GRCh38, 1-based): chr8:99,431,569, A>G. VCF-style: chr8-99431569-A-G. GRCh37 (hg19) VCF-style: chr8-100443797-A-G.
Other names: c.3115A>G, p.Met1039Val (NM_017890.5); c.3115A>G (NM_017890.3); short protein forms M1039V.
Identifiers: ClinVar variation 2040989 (VCV002040989.5), dbSNP rs758412930, ClinGen allele CA4823176.
Genomic context (GRCh38, chr8:99,431,569, plus strand): 5'-TTAAATAATTAGCTATTCTCGTACTCAGAATCCCGCCCATTGTCAGTTCCTGTTAAAGCC[A>G]TGTTGAATATATCTGAAAGCTGTAGAAGTCCTGAAGAAAGAATGAAGGAATTTATTGGAA-3'
Protein context (NP_689777.3, residues 1029-1049): SRPLSVPVKA[Met1039Val]LNISESCRSP